The following is an entry in ClinVar:

ClinVar aggregate classification (germline): Pathogenic/Likely pathogenic. Review status: criteria provided, multiple submitters, no conflicts (2 of 4 stars). 3 submissions from 3 submitters: Pathogenic (2); Likely pathogenic (1). Last evaluated 2025-06-25.

Conditions:
JAG1-related disorder. Also called: JAG1-related disorders; JAG1-related condition.
Alagille syndrome due to a JAG1 point mutation. Also called: HEPATIC DUCTULAR HYPOPLASIA, SYNDROMATIC; Alagille Syndrome 1; JAG1-Related Alagille Syndrome. Identifiers: Orphanet 261619, Orphanet 52, MedGen C1956125, MONDO:0016862, OMIM 118450.

Submissions (3):

Variantyx, Inc.
Classification: Pathogenic for Alagille syndrome due to a JAG1 point mutation. Last evaluated: 2025-06-25. Review status: criteria provided, single submitter. Criteria: Variantyx Assertion Criteria 2022. Collection method: clinical testing. Allele origin: de novo. Inheritance: Autosomal dominant inheritance. Affected: yes.
Comment: This is a frameshift variant in the JAG1 gene (OMIM: 601920). Pathogenic variants in this gene have been associated with autosomal dominant Alagille syndrome 1. The alteration introduces a premature termination codon in exon 4 out of 26 and is expected to result in loss of function, which is a known disease mechanism for JAG1 in this disorder (PMID: 11180599) (PVS1). This variant is absent from control populations (PM2), and it has not been reported in individuals with JAG1-related disorders in the databases available for review. Based on the current evidence, this variant is classified as pathogenic for autosomal dominant Alagille syndrome 1.

PreventionGenetics, part of Exact Sciences
Classification: Likely pathogenic for JAG1-related condition. Last evaluated: 2025-04-28. Review status: criteria provided, single submitter. Criteria: ACMG Guidelines, 2015. Collection method: clinical testing. Allele origin: germline.
Comment: The JAG1 c.570delC variant is predicted to result in a frameshift and premature protein termination (p.Tyr191Thrfs*221). To our knowledge, this variant has not been reported in the literature or in a large population database (gnomAD), indicating this variant is rare. Frameshift variants in JAG1 are expected to be pathogenic. This variant is interpreted as likely pathogenic.

Labcorp Genetics (formerly Invitae), Labcorp
Classification: Pathogenic for Alagille syndrome due to a JAG1 point mutation. Last evaluated: 2025-04-17. Review status: criteria provided, single submitter. Criteria: Invitae Variant Classification Sherloc (09022015). Collection method: clinical testing. Allele origin: germline.
Comment: This sequence change creates a premature translational stop signal (p.Tyr191Thrfs*221) in the JAG1 gene. It is expected to result in an absent or disrupted protein product. Loss-of-function variants in JAG1 are known to be pathogenic (PMID: 11180599). This variant is not present in population databases (gnomAD no frequency). This variant has not been reported in the literature in individuals affected with JAG1-related conditions. For these reasons, this variant has been classified as Pathogenic.

Literature cited by the submitters: PubMed 11180599 (cited by Variantyx, Inc. and Labcorp Genetics (formerly Invitae), Labcorp).

NM_000214.3(JAG1):c.570del (p.Tyr191fs)

Gene: JAG1 (jagged canonical Notch ligand 1; minus strand). Cytogenetic location: 20p12.2.
Variant type: Deletion.
Coding change: c.570del on transcript NM_000214.3 (MANE Select); coding-DNA position 570, one base deleted (C; older notation c.570delC).
Protein change: p.Tyr191fs; shifts the reading frame from tyrosine 191.
Molecular consequence: frameshift variant.
Genome position (GRCh38, 1-based): chr20:10,658,592, G deleted on the plus strand (C on the coding strand, the reverse complement: JAG1 is on the minus strand). VCF-style (leftmost placement, unchanged base first): chr20-10658591-AG-A. GRCh37 (hg19) VCF-style: chr20-10639239-AG-A.
Other names: c.570delC (NM_000214.2); short protein forms Y191fs.
Identifiers: ClinVar variation 4717702 (VCV004717702.3).